The following is an entry in ClinVar:

NM_001242896.3(DEPDC5):c.3805+14C>T

Gene: DEPDC5 (DEP domain containing 5, GATOR1 subcomplex subunit; plus strand). Cytogenetic location: 22q12.3.
Variant type: single nucleotide variant.
Coding change: c.3805+14C>T on transcript NM_001242896.3 (MANE Select); 14 bases into the intron after coding-DNA position 3805, C replaced by T.
Molecular consequence: intron variant.
Genome position (GRCh38, 1-based): chr22:31,876,279, C>T. VCF-style: chr22-31876279-C-T. GRCh37 (hg19) VCF-style: chr22-32272265-C-T.
Other names: c.3805+14C>T (NM_001364318.2); c.3778+14C>T (NM_001136029.4); c.3712+14C>T (NM_014662.6, NM_001369903.1); c.3739+14C>T (NM_001363852.2, NM_001364320.2); c.3571+14C>T (NM_001363854.2, NM_001364319.2); c.3505+14C>T (NM_001242897.2); c.3721+14C>T (NM_001369902.1, NM_001369901.1).
Identifiers: ClinVar variation 1400172 (VCV001400172.9), dbSNP rs376135083, ClinGen allele CA10197094.

ClinVar aggregate classification (germline): Conflicting classifications of pathogenicity. Review status: criteria provided, conflicting classifications (1 of 4 stars). 3 submissions from 3 submitters: Uncertain significance (2); Likely benign (1). Last evaluated 2026-01-11.

Conditions:
Familial focal epilepsy with variable foci (FPEVF). Identifiers: Orphanet 98820, MedGen C1858477, MONDO:0020310.

Allele frequency attached by ClinVar (database versions not stated): gnomAD exomes 0.00002 and 0.00003; ExAC 0.00003; ESP Exome Variant Server 0.00008; gnomAD 0.00011 and 0.00012; TOPMed 0.00014.
gnomAD v4.1: 58 of 1,608,972 alleles (0.0036%); highest among the groups gnomAD compares: Admixed American, 0.017%; no homozygotes.

Submissions (4):

Labcorp Genetics (formerly Invitae), Labcorp
Classification: Uncertain significance for Familial focal epilepsy with variable foci. Last evaluated: 2026-01-11. Review status: criteria provided, single submitter. Criteria: Invitae Variant Classification Sherloc (09022015). Collection method: clinical testing. Allele origin: germline.
Comment: This sequence change falls in intron 37 of the DEPDC5 gene. It does not directly change the encoded amino acid sequence of the DEPDC5 protein. This variant is present in population databases (rs376135083, gnomAD 0.01%). This variant has not been reported in the literature in individuals affected with DEPDC5-related conditions. ClinVar contains an entry for this variant (Variation ID: 1400172). Algorithms developed to predict the effect of sequence changes on RNA splicing suggest that this variant may disrupt the consensus splice site. In summary, the available evidence is currently insufficient to determine the role of this variant in disease. Therefore, it has been classified as a Variant of Uncertain Significance.

Blueprint Genetics
Classification: Likely benign. Last evaluated: 2024-10-01. Review status: criteria provided, single submitter. Criteria: ACMG Guidelines, 2015. Collection method: clinical testing. Allele origin: germline.

Women's Health and Genetics/Laboratory Corporation of America, LabCorp
Classification: Uncertain significance. Last evaluated: 2024-04-15. Review status: criteria provided, single submitter. Criteria: LabCorp Variant Classification Summary - May 2015. Collection method: clinical testing. Allele origin: germline.
Comment: Variant summary: DEPDC5 c.3805+14C>T alters a non-conserved nucleotide located at a position not widely known to affect splicing. Computational tools predict a significant impact on normal splicing: Three predict the variant creates a cryptic 5' donor site. However, these predictions have yet to be confirmed by functional studies. The variant allele was found at a frequency of 3.2e-05 in 247308 control chromosomes (gnomAD). The available data on variant occurrences in the general population are insufficient to allow any conclusion about variant significance. To our knowledge, no occurrence of c.3805+14C>T in individuals affected with Epilepsy, Familial Focal, With Variable Foci 1 and no experimental evidence demonstrating its impact on protein function have been reported. ClinVar contains an entry for this variant (Variation ID: 1400172). Based on the evidence outlined above, the variant was classified as uncertain significance.

Dr. Peter K. Rogan Lab, Western University
No classification provided (evidence only). Condition: Familial cancer of breast. Review status: no classification provided. Collection method: in vitro. Allele origin: not applicable. Functional consequence: retained intron. Not counted in ClinVar's aggregate classification.